The following is an entry in ClinVar:

ClinVar aggregate classification (germline): Conflicting classifications of pathogenicity. Review status: criteria provided, conflicting classifications (1 of 4 stars). 2 submissions from 2 submitters: Uncertain significance (1); Likely benign (1). Last evaluated 2024-10-08.

Allele frequency attached by ClinVar (database versions not stated): gnomAD 0.00013; ESP Exome Variant Server 0.00015; gnomAD exomes 0.00018; TOPMed 0.00019; ExAC 0.00021.
gnomAD v4.1: 290 of 1,614,084 alleles (0.018%); highest among the groups gnomAD compares: Middle Eastern, 0.33%; no homozygotes.

Submissions (2):

Labcorp Genetics (formerly Invitae), Labcorp
Classification: Uncertain significance. Last evaluated: 2024-10-08. Review status: criteria provided, single submitter. Criteria: Invitae Variant Classification Sherloc (09022015). Collection method: clinical testing. Allele origin: germline.
Comment: This sequence change replaces valine, which is neutral and non-polar, with methionine, which is neutral and non-polar, at codon 1490 of the IGSF10 protein (p.Val1490Met). This variant is present in population databases (rs201186884, gnomAD 0.04%). This variant has not been reported in the literature in individuals affected with IGSF10-related conditions. ClinVar contains an entry for this variant (Variation ID: 2654239). An algorithm developed to predict the effect of missense changes on protein structure and function outputs the following: PolyPhen-2: "Benign". The methionine amino acid residue is found in multiple mammalian species, which suggests that this missense change does not adversely affect protein function. In summary, the available evidence is currently insufficient to determine the role of this variant in disease. Therefore, it has been classified as a Variant of Uncertain Significance.

CeGaT Center for Human Genetics Tuebingen
Classification: Likely benign. Last evaluated: 2023-04-01. Review status: criteria provided, single submitter. Criteria: CeGaT Center For Human Genetics Tuebingen Variant Classification Criteria Version 2. Collection method: clinical testing. Allele origin: germline. Affected: yes. Observed: 1 variant allele.
Comment: IGSF10: BP4

NM_178822.5(IGSF10):c.4468G>A (p.Val1490Met)

Gene: IGSF10 (immunoglobulin superfamily member 10; minus strand). Cytogenetic location: 3q25.1.
Variant type: single nucleotide variant.
Coding change: c.4468G>A on transcript NM_178822.5 (MANE Select); coding-DNA position 4468, G replaced by A.
Protein change: p.Val1490Met; replaces valine 1490 with methionine.
Molecular consequence: missense variant.
Genome position (GRCh38, 1-based): chr3:151,445,513, C>T on the plus strand (G>A on the coding strand, the complement: IGSF10 is on the minus strand). VCF-style: chr3-151445513-C-T. GRCh37 (hg19) VCF-style: chr3-151163301-C-T.
Other names: c.4468G>A, p.Val1490Met (NM_001385060.1, NM_001385061.1, NM_001385062.1 and 1 more transcripts); short protein forms V1490M.
Identifiers: ClinVar variation 2654239 (VCV002654239.27), dbSNP rs201186884, ClinGen allele CA2669962.